The following is an entry in ClinVar:

NM_001875.5(CPS1):c.1631C>T (p.Thr544Met)

Gene: CPS1 (carbamoyl-phosphate synthase 1; plus strand). Cytogenetic location: 2q34.
Variant type: single nucleotide variant.
Coding change: c.1631C>T on transcript NM_001875.5 (MANE Select); coding-DNA position 1631, C replaced by T.
Protein change: p.Thr544Met; replaces threonine 544 with methionine.
Molecular consequence: missense variant. On other transcripts: non-coding transcript variant (2).
Genome position (GRCh38, 1-based): chr2:210,600,636, C>T. VCF-style: chr2-210600636-C-T. GRCh37 (hg19) VCF-style: chr2-211465360-C-T.
Other names: c.1631C>T, p.Thr544Met (LRG_336t1, NM_001122633.3, NM_001369257.1); c.1664C>T, p.Thr555Met (NM_001369256.1); c.1631C>T (NM_001875.4); short protein forms T544M, T555M.
Identifiers: ClinVar variation 2419 (VCV000002419.11), dbSNP rs121912592, ClinGen allele CA115525.

ClinVar aggregate classification (germline): Pathogenic/Likely pathogenic. Review status: criteria provided, multiple submitters, no conflicts (2 of 4 stars). 5 submissions from 5 submitters: Pathogenic (2); Likely pathogenic (2). 1 of the submissions does not count toward it. Last evaluated 2025-07-23.

Conditions:
Congenital hyperammonemia, type I. Also called: Carbamoyl-phosphate synthase I deficiency; CPS I DEFICIENCY; Carbamoyl phosphate synthetase I deficiency disease; Carbamoyl phosphate synthetase 1 deficiency; Hyperammonemia due to carbamoyl phosphate synthetase 1 deficiency; CPS 1 deficiency. Identifiers: Orphanet 147, MedGen C4082171, MONDO:0009376, OMIM 237300.
Pulmonary hypertension, neonatal, susceptibility to (PHN). Identifiers: MedGen C3714958, MONDO:0014151, OMIM 615371.

Allele frequency attached by ClinVar (database versions not stated): gnomAD 0.00001; gnomAD exomes 0.00002 and 0.00001; TOPMed 0.00003.
gnomAD v4.1: 27 of 1,612,066 alleles (0.0017%); highest among the groups gnomAD compares: South Asian, 0.0022%; no homozygotes.

Submissions (5):

Natera, Inc.
Classification: Likely pathogenic for Carbamoyl-phosphate synthase I deficiency. Last evaluated: 2025-07-23. Review status: criteria provided, single submitter. Criteria: Natera Variant Classification Schema (03/2026). Collection method: clinical testing. Allele origin: germline.
Comment: The c.1631C>T variant in CPS1 is a missense variant predicted to cause substitution of threonine to methionine at amino acid 544. This variant is rare in the general population with a frequency below the threshold expected for the associated phenotype(s). This variant has been observed in one or more individuals affected with the associated recessive disease, as either homozygous or compound heterozygous with a second variant (PMID: 9711878, 33309754). Functional studies show that this variant may disrupt protein function (PMID: 9711878). Computational prediction algorithms indicate this variant is likely to affect gene or protein function. Given the available evidence, this variant is classified as Likely Pathogenic.

Labcorp Genetics (formerly Invitae), Labcorp
Classification: Likely pathogenic for Congenital hyperammonemia, type I. Last evaluated: 2025-01-20. Review status: criteria provided, single submitter. Criteria: Invitae Variant Classification Sherloc (09022015). Collection method: clinical testing. Allele origin: germline.
Comment: This sequence change replaces threonine, which is neutral and polar, with methionine, which is neutral and non-polar, at codon 544 of the CPS1 protein (p.Thr544Met). This variant is present in population databases (rs121912592, gnomAD 0.01%). This missense change has been observed in individual(s) with CPS1 deficiency (PMID: 9711878, 21120950, 31507628). It has also been observed to segregate with disease in related individuals. ClinVar contains an entry for this variant (Variation ID: 2419). Invitae Evidence Modeling of protein sequence and biophysical properties (such as structural, functional, and spatial information, amino acid conservation, physicochemical variation, residue mobility, and thermodynamic stability) has been performed for this missense variant. However, the output from this modeling did not meet the statistical confidence thresholds required to predict the impact of this variant on CPS1 protein function. Experimental studies have shown that this missense change affects CPS1 function (PMID: 23649895). In summary, the currently available evidence indicates that the variant is pathogenic, but additional data are needed to prove that conclusively. Therefore, this variant has been classified as Likely Pathogenic.

Baylor Genetics
Classification: Pathogenic for Pulmonary hypertension, neonatal, susceptibility to. Last evaluated: 2024-02-24. Review status: criteria provided, single submitter. Criteria: ACMG Guidelines, 2015. Collection method: clinical testing. Allele origin: unknown.

Juno Genomics, Hangzhou Juno Genomics, Inc
Classification: Pathogenic for Pulmonary hypertension, neonatal, susceptibility to; Congenital hyperammonemia, type I. Review status: criteria provided, single submitter. Criteria: ACMG Guidelines, 2015. Collection method: clinical testing. Allele origin: germline.
Comment: Absent from controls (or at extremely low frequency if recessive) in Genome Aggregation Database.;Multiple lines of computational evidence support a deleterious effect on the gene or gene product.;For recessive disorders, detected in trans with a pathogenic variant.;Patient's phenotype or family history is highly specific for a disease with a single genetic etiology.

OMIM
Classification: Pathogenic for CARBAMOYL PHOSPHATE SYNTHETASE I DEFICIENCY. Last evaluated: 1998-01-01. Review status: no assertion criteria provided. Collection method: literature only. Allele origin: germline. Not counted in ClinVar's aggregate classification.

Literature cited by the submitters: PubMed 9711878 (cited by 3 submitters); PubMed 33309754 (cited by Natera, Inc.); PubMed 21120950 (cited by Labcorp Genetics (formerly Invitae), Labcorp); PubMed 31507628 (cited by Labcorp Genetics (formerly Invitae), Labcorp); PubMed 23649895 (cited by Labcorp Genetics (formerly Invitae), Labcorp).